The following is an entry in ClinVar:

NM_000203.5(IDUA):c.512_513del (p.His171fs)

Gene: IDUA (alpha-L-iduronidase; plus strand). Cytogenetic location: 4p16.3.
Variant type: Deletion.
Coding change: c.512_513del on transcript NM_000203.5 (MANE Select); coding-DNA positions 512 to 513, 2 bases deleted (AT; older notation c.512_513delAT).
Protein change: p.His171fs; shifts the reading frame from histidine 171.
Molecular consequence: frameshift variant. On other transcripts: non-coding transcript variant (1).
Genome position (GRCh38, 1-based): chr4:1,001,486-1,001,487, AT deleted. VCF-style (leftmost placement, unchanged base first): chr4-1001485-CAT-C. GRCh37 (hg19) VCF-style: chr4-995273-CAT-C.
Other names: c.116_117del, p.His39fs (NM_001363576.1); short protein forms H171fs, H39fs.
Identifiers: ClinVar variation 929239 (VCV000929239.1), dbSNP rs1715069355, ClinGen allele CA1139658403.

ClinVar aggregate classification (germline): Likely pathogenic (1 of 4 stars; one submission).

Conditions:
Mucopolysaccharidosis type 1. Also called: IDUA deficiency; MPS I. Identifiers: Orphanet 579, MedGen C0023786, MONDO:0001586.

Submission:

Women's Health and Genetics/Laboratory Corporation of America, LabCorp
Classification: Likely pathogenic for Mucopolysaccharidosis type 1. Last evaluated: 2019-10-16. Review status: criteria provided, single submitter. Criteria: LabCorp Variant Classification Summary - May 2015. Collection method: clinical testing. Allele origin: germline.
Comment: Variant summary: IDUA c.512_513delAT (p.His171ArgfsX11) results in a premature termination codon, predicted to cause a truncation of the encoded protein or absence of the protein due to nonsense mediated decay, which are commonly known mechanisms for disease. Truncations downstream of this position have been classified as pathogenic by our laboratory. The variant was absent in 250922 control chromosomes (gnomAD). To our knowledge, no occurrence of c.512_513delAT in individuals affected with Mucopolysaccharidosis Type 1 and no experimental evidence demonstrating its impact on protein function have been reported. No clinical diagnostic laboratories have submitted clinical-significance assessments for this variant to ClinVar after 2014. Based on the evidence outlined above, the variant was classified as likely pathogenic.